The following is an entry in ClinVar:

NM_019066.5(MAGEL2):c.635C>A (p.Pro212His)

Gene: MAGEL2 (MAGE family member L2; minus strand). Cytogenetic location: 15q11.2.
Variant type: single nucleotide variant.
Coding change: c.635C>A on transcript NM_019066.5 (MANE Select); coding-DNA position 635, C replaced by A.
Protein change: p.Pro212His; replaces proline 212 with histidine.
Molecular consequence: missense variant.
Genome position (GRCh38, 1-based): chr15:23,647,108, G>T on the plus strand (C>A on the coding strand, the complement: MAGEL2 is on the minus strand). VCF-style: chr15-23647108-G-T. GRCh37 (hg19) VCF-style: chr15-23892255-G-T.
Other names: c.635C>A (NM_019066.4); short protein forms P212H.
Identifiers: ClinVar variation 2796392 (VCV002796392.4), dbSNP rs1204206251, ClinGen allele CA391336823.
Genomic context (GRCh38, chr15:23,647,108, plus strand): 5'-GGCTGGGCCATCGGTGTACCCGGAGGGGGAGGATGAGCCATCGGTGTCCCCGGAGGTGGA[G>T]GATGAGCCATCGGTGTCCCCGGAGGGGGAGGATGAGCCATCGGTGTCCCCGGAGGGGGAG-3'
Protein context (NP_061939.3, residues 202-222): PPPPGTPMAH[Pro212His]PPPGTPMAHP

ClinVar aggregate classification (germline): Uncertain significance. Review status: criteria provided, multiple submitters, no conflicts (2 of 4 stars). 2 submissions from 2 submitters: Uncertain significance (2). Last evaluated 2025-03-21.

Conditions:
Inborn genetic diseases. Identifiers: MedGen C0950123, MeSH D030342.

Submissions (2):

Ambry Genetics
Classification: Uncertain significance for Inborn genetic diseases. Last evaluated: 2025-03-21. Review status: criteria provided, single submitter. Criteria: Ambry Variant Classification Scheme 2023. Collection method: clinical testing. Allele origin: germline.

Labcorp Genetics (formerly Invitae), Labcorp
Classification: Uncertain significance. Last evaluated: 2022-11-23. Review status: criteria provided, single submitter. Criteria: Invitae Variant Classification Sherloc (09022015). Collection method: clinical testing. Allele origin: germline.
Comment: Experimental studies and prediction algorithms are not available or were not evaluated, and the functional significance of this variant is currently unknown. This variant has not been reported in the literature in individuals affected with MAGEL2-related conditions. This variant is not present in population databases (gnomAD no frequency). This sequence change replaces proline, which is neutral and non-polar, with histidine, which is basic and polar, at codon 212 of the MAGEL2 protein (p.Pro212His). In summary, the available evidence is currently insufficient to determine the role of this variant in disease. Therefore, it has been classified as a Variant of Uncertain Significance.